The following is an entry in ClinVar:

ClinVar aggregate classification (germline): Likely pathogenic (3 of 4 stars; one submission).

Conditions:
Mucopolysaccharidosis type 1. Also called: IDUA deficiency; MPS I; Mucopolysaccharidosis Type I. Identifiers: Orphanet 579, MedGen C0023786, MONDO:0001586.

Submission:

ClinGen Lysosomal Storage Disorder Variant Curation Expert Panel
Classification: Likely pathogenic for Mucopolysaccharidosis type 1. Last evaluated: 2026-01-27. Review status: reviewed by expert panel. Criteria: ClinGen LSD ACMG Specifications IDUA V1.2.0. Collection method: curation. Allele origin: germline. Inheritance: Autosomal recessive inheritance.
Comment: The NM_000203.5:c.1599del (p.Ser534ArgfsTer26) variant in IDUA is a frameshift variant predicted to cause a premature stop codon in biologically-relevant-exon 12 out of 14, leading to nonsense mediated decay in a gene in which loss-of-function is an established disease mechanism (PVS1). The variant has been reported in an individual with MPS I. However, no clinical data was provided (PMIDs: 35614200) (insufficient data to apply PP4 or PM3). This variant is absent from gnomAD v4.1.0. (PM2_Supporting). The classification of this variant has been upgraded from Variant of Uncertain Significance to Likely Pathogenic based on the recommendations of the ClinGen Sequence Variant Interpretation Working Group, that a variant meeting PVS1 and PM2_Supporting is classified as Likely Pathogenic. IDUA-specific ACMG/AMP criteria met, as specified by the ClinGen Lysosomal Diseases Variant Curation Expert Panel (Specifications Version 1.2.0.): PVS1, PM2_Supporting.

NM_000203.5(IDUA):c.1599del (p.Ser534fs)

Gene: IDUA (alpha-L-iduronidase; plus strand). Cytogenetic location: 4p16.3.
Variant type: Deletion.
Coding change: c.1599del on transcript NM_000203.5 (MANE Select); coding-DNA position 1599, one base deleted (G; older notation c.1599delG).
Protein change: p.Ser534fs; shifts the reading frame from serine 534.
Molecular consequence: frameshift variant. On other transcripts: non-coding transcript variant (1).
Genome position (GRCh38, 1-based): chr4:1,003,419, G deleted. VCF-style (leftmost placement, unchanged base first): chr4-1003418-CG-C. GRCh37 (hg19) VCF-style: chr4-997206-CG-C.
Other names: NM_001363576.1:c.1203del; c.1203del, p.Ser402fs (NM_001363576.1); short protein forms S402fs, S534fs.
Identifiers: ClinVar variation 4818933 (VCV004818933.1).